The following is an entry in ClinVar:

NM_000944.5(PPP3CA):c.176G>C (p.Ser59Thr)

Gene: PPP3CA (protein phosphatase 3 catalytic subunit alpha; minus strand). Cytogenetic location: 4q24.
Variant type: single nucleotide variant.
Coding change: c.176G>C on transcript NM_000944.5 (MANE Select); coding-DNA position 176, G replaced by C.
Protein change: p.Ser59Thr; replaces serine 59 with threonine.
Molecular consequence: missense variant.
Genome position (GRCh38, 1-based): chr4:101,195,999, C>G on the plus strand (G>C on the coding strand, the complement: PPP3CA is on the minus strand). VCF-style: chr4-101195999-C-G. GRCh37 (hg19) VCF-style: chr4-102117156-C-G.
Other names: c.176G>C, p.Ser59Thr (NM_001130691.2, NM_001130692.2); short protein forms S59T.
Identifiers: ClinVar variation 4701367 (VCV004701367.1).
Genomic context (GRCh38, chr4:101,195,999, plus strand): 5'-AGCAAATTTTTTTCCTGTCGAAGAATTGATGCACCCTCTGTTATTATTCTCAATGCAACA[C>G]TCTCTTCCAGCCTTCCCTCCTTCATAAGATGCGCCTTTAAGATATCCACACGAGGTTTTC-3'
Protein context (NP_000935.1, residues 49-69): HLMKEGRLEE[Ser59Thr]VALRIITEGA

ClinVar aggregate classification (germline): Uncertain significance (1 of 4 stars; one submission).

gnomAD v4.1: 4 of 1,614,106 alleles (0.00025%); highest among the groups gnomAD compares: Non-Finnish European, 0.00025%; no homozygotes.

Submission:

Labcorp Genetics (formerly Invitae), Labcorp
Classification: Uncertain significance. Last evaluated: 2025-07-02. Review status: criteria provided, single submitter. Criteria: Invitae Variant Classification Sherloc (09022015). Collection method: clinical testing. Allele origin: germline.
Comment: This sequence change replaces serine, which is neutral and polar, with threonine, which is neutral and polar, at codon 59 of the PPP3CA protein (p.Ser59Thr). This variant is present in population databases (no rsID available, gnomAD 0.002%). This variant has not been reported in the literature in individuals affected with PPP3CA-related conditions. Invitae Evidence Modeling of protein sequence and biophysical properties (such as structural, functional, and spatial information, amino acid conservation, physicochemical variation, residue mobility, and thermodynamic stability) indicates that this missense variant is not expected to disrupt PPP3CA protein function with a negative predictive value of 80%. In summary, the available evidence is currently insufficient to determine the role of this variant in disease. Therefore, it has been classified as a Variant of Uncertain Significance.